The following is an entry in ClinVar:

ClinVar aggregate classification (germline): Uncertain significance. Review status: criteria provided, multiple submitters, no conflicts (2 of 4 stars). 2 submissions from 2 submitters: Uncertain significance (2). Last evaluated 2026-01-26.

Conditions:
Spastic paraplegia. Identifiers: MedGen C0037772, HP:0001258.
Hereditary spastic paraplegia 31. Also called: SPASTIC PARAPLEGIA 31, AUTOSOMAL DOMINANT. Identifiers: Orphanet 101011, MedGen C1853247, MONDO:0012453, OMIM 610250.

gnomAD v4.1: 8 of 1,603,452 alleles (0.0005%); highest among the groups gnomAD compares: African/African-American, 0.0013%; no homozygotes.

Submissions (2):

Labcorp Genetics (formerly Invitae), Labcorp
Classification: Uncertain significance for Hereditary spastic paraplegia 31. Last evaluated: 2026-01-26. Review status: criteria provided, single submitter. Criteria: Invitae Variant Classification Sherloc (09022015). Collection method: clinical testing. Allele origin: germline.
Comment: This sequence change replaces arginine, which is basic and polar, with tryptophan, which is neutral and slightly polar, at codon 149 of the REEP1 protein (p.Arg149Trp). This variant is present in population databases (rs771715116, gnomAD 0.003%). This missense change has been observed in individual(s) with clinical features of REEP1-related conditions (PMID: 34983064). ClinVar contains an entry for this variant (Variation ID: 577059). An algorithm developed to predict the effect of missense changes on protein structure and function (PolyPhen-2) suggests that this variant is likely to be disruptive. In summary, the available evidence is currently insufficient to determine the role of this variant in disease. Therefore, it has been classified as a Variant of Uncertain Significance.

Paris Brain Institute, Inserm - ICM
Classification: Uncertain significance for Spastic paraplegia. Review status: criteria provided, single submitter. Criteria: ACMG Guidelines, 2015. Collection method: clinical testing. Allele origin: unknown. Affected: yes. Observed: 1 variant allele.

Literature cited by the submitters: PubMed 34983064 (cited by Labcorp Genetics (formerly Invitae), Labcorp).

NM_001371279.1(REEP1):c.445C>T (p.Arg149Trp)

Gene: REEP1 (receptor accessory protein 1; minus strand). Cytogenetic location: 2p11.2.
Variant type: single nucleotide variant.
Coding change: c.445C>T on transcript NM_001371279.1 (MANE Select); coding-DNA position 445, C replaced by T.
Protein change: p.Arg149Trp; replaces arginine 149 with tryptophan.
Molecular consequence: missense variant. On other transcripts: synonymous variant (1), intron variant (1).
Genome position (GRCh38, 1-based): chr2:86,232,775, G>A on the plus strand (C>T on the coding strand, the complement: REEP1 is on the minus strand). VCF-style: chr2-86232775-G-A. GRCh37 (hg19) VCF-style: chr2-86459898-G-A.
Other names: c.466C>T, p.Arg156Trp (NM_001164730.2); c.364C>T, p.Arg122Trp (NM_001164731.2); c.210C>T, p.Cys70= (NM_001164732.2); c.445C>T, p.Arg149Trp (NM_022912.3); c.418-15665C>T (NM_001371280.1); short protein forms R149W, R156W, R122W.
Identifiers: ClinVar variation 577059 (VCV000577059.12), dbSNP rs771715116, ClinGen allele CA1748710.
Genomic context (GRCh38, chr2:86,232,775, plus strand): 5'-CCGAGGGAGCAGGGGCGCCGTCTCCCCTGATGGTGGTGAGGTCCTGCATGCTGAAGCTCC[G>A]CAGTCTCTCCGATAAGGCACCCTGTCCCTGGATACAACACAGGAGGGGCACACGTCAGAG-3'
Protein context (NP_001358208.1, residues 139-159): KGQGALSERL[Arg149Trp]SFSMQDLTTI